The following is an entry in ClinVar:

ClinVar aggregate classification (germline): Conflicting classifications of pathogenicity. Review status: criteria provided, conflicting classifications (1 of 4 stars). 8 submissions from 8 submitters: Uncertain significance (1); Likely benign (6). 1 of the submissions does not count toward it. Last evaluated 2025-12-21.

Conditions:
Marfan syndrome (MFS). Also called: FBN1-Related Marfan Syndrome; MARFAN SYNDROME, TYPE I; Marfan syndrome, classic; Marfan syndrome type 1; Marfan's syndrome. Identifiers: Orphanet 284963, Orphanet 558, MedGen C0024796, MONDO:0007947, OMIM 154700.
Familial thoracic aortic aneurysm and aortic dissection (TAAD). Also called: Thoracic aortic aneurysms and dissections. Identifiers: Orphanet 91387, MedGen C4707243, MONDO:0019625.
FBN1-related disorder. Also called: FBN1-related disorders.

Allele frequency attached by ClinVar (database versions not stated): gnomAD exomes 0.00002; gnomAD 0.00003; TOPMed 0.00003; ExAC 0.00004.
gnomAD v4.1: 30 of 1,614,038 alleles (0.0019%); highest among the groups gnomAD compares: Non-Finnish European, 0.0024%; no homozygotes.

Submissions (8):

Labcorp Genetics (formerly Invitae), Labcorp
Classification: Likely benign for Marfan syndrome; Familial thoracic aortic aneurysm and aortic dissection. Last evaluated: 2025-12-21. Review status: criteria provided, single submitter. Criteria: Invitae Variant Classification Sherloc (09022015). Collection method: clinical testing. Allele origin: germline.

Ambry Genetics
Classification: Likely benign for Familial thoracic aortic aneurysm and aortic dissection. Last evaluated: 2024-02-12. Review status: criteria provided, single submitter. Criteria: Ambry Variant Classification Scheme 2023. Collection method: clinical testing. Allele origin: germline.

All of Us Research Program, National Institutes of Health
Classification: Likely benign for Marfan syndrome. Last evaluated: 2023-12-13. Review status: criteria provided, single submitter. Criteria: ACMG Guidelines, 2015. Collection method: clinical testing. Allele origin: germline. Inheritance: Autosomal dominant inheritance. Observed: 6 variant alleles, 6 heterozygotes.
Comment: This study involves interpretation of variants in research participants for the purpose of population health screening. Participant phenotype was not available at the time of variant classification. Additional details can be found in publication PMID: 35346344, PMCID: PMC8962531

GeneDx
Classification: Likely benign. Last evaluated: 2020-10-16. Review status: criteria provided, single submitter. Criteria: GeneDx Variant Classification Process June 2021. Collection method: clinical testing. Allele origin: germline. Affected: yes.

Women's Health and Genetics/Laboratory Corporation of America, LabCorp
Classification: Likely benign. Last evaluated: 2019-08-28. Review status: criteria provided, single submitter. Criteria: LabCorp Variant Classification Summary - May 2015. Collection method: clinical testing. Allele origin: germline.

Color Diagnostics, LLC DBA Color Health
Classification: Likely benign for Familial thoracic aortic aneurysm and aortic dissection. Last evaluated: 2019-08-14. Review status: criteria provided, single submitter. Criteria: ACMG Guidelines, 2015. Collection method: clinical testing. Allele origin: germline.

CeGaT Center for Human Genetics Tuebingen
Classification: Uncertain significance. Last evaluated: 2017-03-01. Review status: criteria provided, single submitter. Criteria: CeGaT Center For Human Genetics Tuebingen Variant Classification Criteria Version 2. Collection method: clinical testing. Allele origin: germline. Affected: yes. Observed: 1 variant allele.

PreventionGenetics, part of Exact Sciences
Classification: Likely benign for FBN1-related condition. Last evaluated: 2022-03-17. Review status: no assertion criteria provided. Collection method: clinical testing. Allele origin: germline. Not counted in ClinVar's aggregate classification.
Comment: This variant is classified as likely benign based on ACMG/AMP sequence variant interpretation guidelines (Richards et al. 2015 PMID: 25741868, with internal and published modifications).

NM_000138.5(FBN1):c.3216C>T (p.Asp1072=)

Gene: FBN1 (fibrillin 1; minus strand). Cytogenetic location: 15q21.1.
Variant type: single nucleotide variant.
Coding change: c.3216C>T on transcript NM_000138.5 (MANE Select); coding-DNA position 3216, C replaced by T.
Protein change: p.Asp1072=; no amino-acid change (aspartic acid 1072 retained).
Molecular consequence: synonymous variant.
Genome position (GRCh38, 1-based): chr15:48,488,234, G>A on the plus strand (C>T on the coding strand, the complement: FBN1 is on the minus strand). VCF-style: chr15-48488234-G-A. GRCh37 (hg19) VCF-style: chr15-48780431-G-A.
Identifiers: ClinVar variation 425068 (VCV000425068.63), dbSNP rs757177349, ClinGen allele CA050183.